The following is an entry in ClinVar:

NM_001289808.2(CRYAB):c.470G>A (p.Arg157His)

Gene: CRYAB (crystallin alpha B; minus strand). Cytogenetic location: 11q23.1.
Variant type: single nucleotide variant.
Coding change: c.470G>A on transcript NM_001289808.2 (MANE Select); coding-DNA position 470, G replaced by A.
Protein change: p.Arg157His; replaces arginine 157 with histidine.
Molecular consequence: missense variant.
Genome position (GRCh38, 1-based): chr11:111,908,822, C>T on the plus strand (G>A on the coding strand, the complement: CRYAB is on the minus strand). VCF-style: chr11-111908822-C-T. GRCh37 (hg19) VCF-style: chr11-111779546-C-T.
Other names: c.470G>A, p.Arg157His (NM_001289807.1, NM_001368245.1, NM_001885.3); c.269G>A, p.Arg90His (NM_001330379.1, NM_001368246.1); short protein forms R157H, R90H.
Identifiers: ClinVar variation 41925 (VCV000041925.12), dbSNP rs141638421, ClinGen allele CA130919.

ClinVar aggregate classification (germline): Uncertain significance. Review status: criteria provided, multiple submitters, no conflicts (2 of 4 stars). 4 submissions from 4 submitters: Uncertain significance (3). 1 of the submissions does not count toward it. Last evaluated 2025-01-27.

Conditions:
Myofibrillar myopathy 2. Also called: MYOPATHY, MYOFIBRILLAR, WITH OR WITHOUT CATARACT AND/OR CARDIOMYOPATHY; MYOPATHY, MYOFIBRILLAR, 2A, ADULT-ONSET; MYOPATHY, DESMIN-RELATED, ASSOCIATED WITH MUTATION IN THE CRYAB GENE; MYOPATHY, MYOFIBRILLAR, ALPHA-B CRYSTALLIN-RELATED. Identifiers: Orphanet 280553, Orphanet 399058, MedGen C1837317, MONDO:0012130.
Dilated cardiomyopathy 1II (CMD1II). Identifiers: Orphanet 154, MedGen C3554649, MONDO:0014073, OMIM 615184.
Cataract 16 multiple types. Also called: CATARACT 16, POSTERIOR POLAR; CATARACT 16, CONGENITAL LAMELLAR; CATARACT, CONGENITAL LAMELLAR. Identifiers: Orphanet 91492, Orphanet 98992, Orphanet 98993, Orphanet 98995, MedGen C3808377, MONDO:0013411, OMIM 613763.
Fatal infantile hypertonic myofibrillar myopathy (MFM2B). Also called: MYOPATHY, MYOFIBRILLAR, 2B, INFANTILE-ONSET; MFM, FATAL INFANTILE HYPERTONIC, ALPHA-B CRYSTALLIN-RELATED. Identifiers: Orphanet 280553, MedGen C5190691, MONDO:0013472, OMIM 613869.
Cardiovascular phenotype. Identifiers: MedGen CN230736.

Allele frequency attached by ClinVar (database versions not stated): gnomAD 0.00005 and 0.00006; TOPMed 0.00006; gnomAD exomes 0.00007 and 0.00008; ExAC 0.00009; ESP Exome Variant Server 0.00015; 1000 Genomes Project 30x 0.00016; 1000 Genomes Project 0.00020.

Submissions (4):

Ambry Genetics
Classification: Uncertain significance for Cardiovascular phenotype. Last evaluated: 2025-01-27. Review status: criteria provided, single submitter. Criteria: Ambry Variant Classification Scheme 2023. Collection method: clinical testing. Allele origin: germline.
Comment: The p.R157H variant (also known as c.470G>A), located in coding exon 3 of the CRYAB gene, results from a G to A substitution at nucleotide position 470. The arginine at codon 157 is replaced by histidine, an amino acid with highly similar properties. This variant was reported in individual(s) with features consistent with dilated cardiomyopathy (Inagaki N et al. Biochem. Biophys. Res. Commun., 2006 Apr;342:379-86). Functional studies suggest this variant may impact protein-protein interaction; however, the physiological relevance of these findings is unclear (Inagaki N et al. Biochem. Biophys. Res. Commun., 2006 Apr;342:379-86; Zhu Y et al. J. Biol. Chem., 2009 May;284:13914-23; Raju I et al. Biochem. Biophys. Res. Commun., 2013 Jan;430:107-12; Huang Y et al. J. Biol. Chem., 2016 May;291:11030-41). This amino acid position is highly conserved in available vertebrate species. In addition, this alteration is predicted to be deleterious by in silico analysis. Based on the available evidence, the clinical significance of this variant remains unclear.

Labcorp Genetics (formerly Invitae), Labcorp
Classification: Uncertain significance for Dilated cardiomyopathy 1II. Last evaluated: 2025-01-06. Review status: criteria provided, single submitter. Criteria: Invitae Variant Classification Sherloc (09022015). Collection method: clinical testing. Allele origin: germline.
Comment: This sequence change replaces arginine, which is basic and polar, with histidine, which is basic and polar, at codon 157 of the CRYAB protein (p.Arg157His). This variant is present in population databases (rs141638421, gnomAD 0.06%). This missense change has been observed in individual(s) with dilated cardiomyopathy (PMID: 16483541). ClinVar contains an entry for this variant (Variation ID: 41925). An algorithm developed to predict the effect of missense changes on protein structure and function (PolyPhen-2) suggests that this variant is likely to be disruptive. Experimental studies have shown that this missense change affects CRYAB function (PMID: 16483541, 19282282, 23194663). In summary, the available evidence is currently insufficient to determine the role of this variant in disease. Therefore, it has been classified as a Variant of Uncertain Significance.

Fulgent Genetics
Classification: Uncertain significance for Cataract 16 multiple types; Fatal infantile hypertonic myofibrillar myopathy; Dilated cardiomyopathy 1II. Last evaluated: 2022-02-01. Review status: criteria provided, single submitter. Criteria: ACMG Guidelines, 2015. Collection method: clinical testing. Allele origin: unknown.

OMIM
Classification: Pathogenic for CARDIOMYOPATHY, DILATED, 1II. Last evaluated: 2006-04-07. Review status: no assertion criteria provided. Collection method: literature only. Allele origin: germline. Not counted in ClinVar's aggregate classification.

Literature cited by the submitters: PubMed 16483541 (cited by 3 submitters); PubMed 19282282 (cited by Ambry Genetics and Labcorp Genetics (formerly Invitae), Labcorp); PubMed 23194663 (cited by Ambry Genetics and Labcorp Genetics (formerly Invitae), Labcorp); PubMed 26961874 (cited by Ambry Genetics).